The following is an entry in ClinVar:

ClinVar aggregate classification (germline): Likely benign (1 of 4 stars; one submission).

Allele frequency attached by ClinVar (database versions not stated): 1000 Genomes Project 30x 0.00203; 1000 Genomes Project 0.00240; gnomAD 0.00279; ESP Exome Variant Server 0.00333.
gnomAD v4.1: 6,316 of 1,610,622 alleles (0.39%); highest among the groups gnomAD compares: Non-Finnish European, 0.49%; 10 homozygotes.

Submission:

CeGaT Center for Human Genetics Tuebingen
Classification: Likely benign. Last evaluated: 2024-09-01. Review status: criteria provided, single submitter. Criteria: CeGaT Center For Human Genetics Tuebingen Variant Classification Criteria Version 2. Collection method: clinical testing. Allele origin: germline. Affected: yes. Observed: 2 variant alleles.
Comment: PDPR: BS2

NM_017990.5(PDPR):c.2372G>A (p.Arg791Gln)

Genes: PDPR (pyruvate dehydrogenase phosphatase regulatory subunit; plus strand), LOC400541 (uncharacterized LOC400541; minus strand). Cytogenetic location: 16q22.1.
Variant type: single nucleotide variant.
Coding change: c.2372G>A on transcript NM_017990.5 (MANE Select); coding-DNA position 2372, G replaced by A.
Protein change: p.Arg791Gln; replaces arginine 791 with glutamine.
Molecular consequence: missense variant.
Genome position (GRCh38, 1-based): chr16:70,156,611, G>A. VCF-style: chr16-70156611-G-A. GRCh37 (hg19) VCF-style: chr16-70190514-G-A.
Other names: c.2372G>A, p.Arg791Gln (NM_001322117.1); c.2072G>A, p.Arg691Gln (NM_001322118.1); c.1166G>A, p.Arg389Gln (NM_001322119.1); short protein forms R389Q, R691Q, R791Q.
Identifiers: ClinVar variation 2646677 (VCV002646677.24), dbSNP rs117263218, ClinGen allele CA8139738.